The following is an entry in ClinVar:

NM_003803.4(MYOM1):c.2716G>C (p.Glu906Gln)

Gene: MYOM1 (myomesin 1; minus strand). Cytogenetic location: 18p11.31.
Variant type: single nucleotide variant.
Coding change: c.2716G>C on transcript NM_003803.4 (MANE Select); coding-DNA position 2716, G replaced by C.
Protein change: p.Glu906Gln; replaces glutamic acid 906 with glutamine.
Molecular consequence: missense variant. On other transcripts: intron variant (1).
Genome position (GRCh38, 1-based): chr18:3,129,310, C>G on the plus strand (G>C on the coding strand, the complement: MYOM1 is on the minus strand). VCF-style: chr18-3129310-C-G. GRCh37 (hg19) VCF-style: chr18-3129308-C-G.
Other names: c.2506+2065G>C (NM_019856.2); short protein forms E906Q.
Identifiers: ClinVar variation 3223556 (VCV003223556.1), dbSNP rs2510621588, ClinGen allele CA401709777.

ClinVar aggregate classification (germline): Uncertain significance (1 of 4 stars; one submission).

Submission:

Ambry Genetics
Classification: Uncertain significance. Last evaluated: 2023-11-08. Review status: criteria provided, single submitter. Criteria: Ambry Variant Classification Scheme 2023. Collection method: clinical testing. Allele origin: germline.
Comment: The p.E906Q variant (also known as c.2716G>C), located in coding exon 17 of the MYOM1 gene, results from a G to C substitution at nucleotide position 2716. The glutamic acid at codon 906 is replaced by glutamine, an amino acid with highly similar properties. This amino acid position is conserved. In addition, this alteration is predicted to be tolerated by in silico analysis. Since supporting evidence is limited at this time, the clinical significance of this alteration remains unclear.